The following is an entry in ClinVar:

ClinVar aggregate classification (germline): Uncertain significance (1 of 4 stars; one submission).

Conditions:
Muscular dystrophy-dystroglycanopathy (congenital with brain and eye anomalies), type A13. Also called: WALKER-WARBURG SYNDROME OR MUSCLE-EYE-BRAIN DISEASE, B3GNT1-RELATED; Muscular dystrophy-dystroglycanopathy (congenital with brain and eye anomalies), type a, 13. Identifiers: Orphanet 899, MedGen C3809042, MONDO:0014120, OMIM 615287.

Allele frequency attached by ClinVar (database versions not stated): gnomAD 0.00001; gnomAD exomes 0.00002; TOPMed 0.00002.

Submission:

Labcorp Genetics (formerly Invitae), Labcorp
Classification: Uncertain significance for Muscular dystrophy-dystroglycanopathy (congenital with brain and eye anomalies), type A13. Last evaluated: 2021-09-01. Review status: criteria provided, single submitter. Criteria: Invitae Variant Classification Sherloc (09022015). Collection method: clinical testing. Allele origin: germline.
Comment: This sequence change replaces valine with glycine at codon 281 of the B4GAT1 protein (p.Val281Gly). The valine residue is highly conserved and there is a moderate physicochemical difference between valine and glycine. This variant is not present in population databases (ExAC no frequency). This variant has not been reported in the literature in individuals affected with B4GAT1-related conditions. Algorithms developed to predict the effect of missense changes on protein structure and function are either unavailable or do not agree on the potential impact of this missense change (SIFT: "Deleterious"; PolyPhen-2: "Benign"; Align-GVGD: "Class C0"). In summary, the available evidence is currently insufficient to determine the role of this variant in disease. Therefore, it has been classified as a Variant of Uncertain Significance.

NM_006876.3(B4GAT1):c.842T>G (p.Val281Gly)

Gene: B4GAT1 (beta-1,4-glucuronyltransferase 1; minus strand). Cytogenetic location: 11q13.2.
Variant type: single nucleotide variant.
Coding change: c.842T>G on transcript NM_006876.3 (MANE Select); coding-DNA position 842, T replaced by G.
Protein change: p.Val281Gly; replaces valine 281 with glycine.
Molecular consequence: missense variant.
Genome position (GRCh38, 1-based): chr11:66,346,704, A>C on the plus strand (T>G on the coding strand, the complement: B4GAT1 is on the minus strand). VCF-style: chr11-66346704-A-C. GRCh37 (hg19) VCF-style: chr11-66114175-A-C.
Other names: short protein forms V281G.
Identifiers: ClinVar variation 1516401 (VCV001516401.3), dbSNP rs1449152242, ClinGen allele CA381417530.